The following is an entry in ClinVar:

NM_000140.5(FECH):c.656T>G (p.Met219Arg)

Gene: FECH (ferrochelatase; minus strand). Cytogenetic location: 18q21.31.
Variant type: single nucleotide variant.
Coding change: c.656T>G on transcript NM_000140.5 (MANE Select); coding-DNA position 656, T replaced by G.
Protein change: p.Met219Arg; replaces methionine 219 with arginine.
Molecular consequence: missense variant.
Genome position (GRCh38, 1-based): chr18:57,562,923, A>C on the plus strand (T>G on the coding strand, the complement: FECH is on the minus strand). VCF-style: chr18-57562923-A-C. GRCh37 (hg19) VCF-style: chr18-55230155-A-C.
Other names: p.Met219Arg; c.674T>G, p.Met225Arg (NM_001012515.4); c.656T>G, p.Met219Arg (NM_001371094.1, NM_001374778.1); c.440T>G, p.Met147Arg (NM_001371095.1); short protein forms M147R, M219R, M225R.
Identifiers: ClinVar variation 2683458 (VCV002683458.6), dbSNP rs2511528572, ClinGen allele CA402535933.

ClinVar aggregate classification (germline): Conflicting classifications of pathogenicity. Review status: criteria provided, conflicting classifications (1 of 4 stars). 3 submissions from 3 submitters: Likely pathogenic (1); Uncertain significance (2). Last evaluated 2025-10-03.

Allele frequency attached by ClinVar (database versions not stated): gnomAD exomes below 0.00001.
gnomAD v4.1: 2 of 1,614,114 alleles (0.00012%); highest among the groups gnomAD compares: Non-Finnish European, 0.00017%; no homozygotes.

Submissions (3):

Mayo Clinic Laboratories, Mayo Clinic
Classification: Likely pathogenic. Last evaluated: 2025-10-03. Review status: criteria provided, single submitter. Criteria: ACMG Guidelines, 2015. Collection method: clinical testing. Allele origin: germline. Observed: 2 variant alleles.
Comment: PP3_strong, PP4, PM2_supporting, PS4_moderate

Labcorp Genetics (formerly Invitae), Labcorp
Classification: Uncertain significance. Last evaluated: 2023-03-29. Review status: criteria provided, single submitter. Criteria: Invitae Variant Classification Sherloc (09022015). Collection method: clinical testing. Allele origin: germline.
Comment: This sequence change replaces methionine, which is neutral and non-polar, with arginine, which is basic and polar, at codon 219 of the FECH protein (p.Met219Arg). This variant is not present in population databases (gnomAD no frequency). This missense change has been observed in individuals with erythropoietic protoporphyria (PMID: 23364466; Invitae). In summary, the available evidence is currently insufficient to determine the role of this variant in disease. Therefore, it has been classified as a Variant of Uncertain Significance. Advanced modeling of protein sequence and biophysical properties (such as structural, functional, and spatial information, amino acid conservation, physicochemical variation, residue mobility, and thermodynamic stability) performed at Invitae indicates that this missense variant is not expected to disrupt FECH protein function.

Blueprint Genetics
Classification: Uncertain significance. Last evaluated: 2020-03-04. Review status: criteria provided, single submitter. Criteria: ACMG Guidelines, 2015. Collection method: clinical testing. Allele origin: germline.

Literature cited by the submitters: PubMed 23364466 (cited by Mayo Clinic Laboratories, Mayo Clinic and Labcorp Genetics (formerly Invitae), Labcorp).